The following is an entry in ClinVar:

ClinVar aggregate classification (germline): Uncertain significance (1 of 4 stars; one submission).

Submission:

GeneDx
Classification: Uncertain significance. Last evaluated: 2020-04-15. Review status: criteria provided, single submitter. Criteria: GeneDx Variant Classification Process June 2021. Collection method: clinical testing. Allele origin: germline. Affected: yes.
Comment: Not observed in large population cohorts (Lek et al., 2016); In silico analysis supports that this missense variant has a deleterious effect on protein structure/function; Has not been previously published as pathogenic or benign to our knowledge

NM_003560.4(PLA2G6):c.470A>C (p.His157Pro)

Gene: PLA2G6 (phospholipase A2 group VI; minus strand). Cytogenetic location: 22q13.1.
Variant type: single nucleotide variant.
Coding change: c.470A>C on transcript NM_003560.4 (MANE Select); coding-DNA position 470, A replaced by C.
Protein change: p.His157Pro; replaces histidine 157 with proline.
Molecular consequence: missense variant. On other transcripts: 5 prime UTR variant (3).
Genome position (GRCh38, 1-based): chr22:38,143,244, T>G on the plus strand (A>C on the coding strand, the complement: PLA2G6 is on the minus strand). VCF-style: chr22-38143244-T-G. GRCh37 (hg19) VCF-style: chr22-38539251-T-G.
Other names: c.470A>C, p.His157Pro (NM_001004426.3, NM_001199562.3, NM_001349864.2 and 2 more transcripts); c.-65A>C (NM_001349867.2, NM_001349869.2); c.-21A>C (NM_001349868.2); short protein forms H157P.
Identifiers: ClinVar variation 421755 (VCV000421755.3), dbSNP rs1064795344, ClinGen allele CA16621122.